The following is an entry in ClinVar:

ClinVar aggregate classification (germline): Uncertain significance. Review status: criteria provided, multiple submitters, no conflicts (2 of 4 stars). 4 submissions from 4 submitters: Uncertain significance (4). Last evaluated 2024-03-06.

Conditions:
Cardiovascular phenotype. Identifiers: MedGen CN230736.
Arrhythmogenic right ventricular cardiomyopathy (ARVD). Also called: Cardiomyopathy, ARVC; Arrhythmogenic right ventricular dysplasia; Arrhythmogenic cardiomyopathy; Arrhythmogenic Right Ventricular Cardiomyopathy (ARVC). Identifiers: Orphanet 247, MedGen C0349788, MeSH D019571, MONDO:0016587. Disease mechanism: loss of function. Inheritance: Various modes of inheritance.
Cardiomyopathy (CMYO). Also called: Cardiomyopathies. Identifiers: Orphanet 167848, MedGen C0878544, MONDO:0004994, HP:0001638. Inheritance: Various modes of inheritance.
Arrhythmogenic right ventricular dysplasia 9 (ARVD9). Also called: Arrhythmogenic Right Ventricular Dysplasia/Cardiomyopathy 9; ARRHYTHMOGENIC RIGHT VENTRICULAR DYSPLASIA, FAMILIAL, 9. Identifiers: MedGen C1836906, MONDO:0012180, OMIM 609040.

Allele frequency attached by ClinVar (database versions not stated): TOPMed below 0.00001.
gnomAD v4.1: 1 of 1,614,086 alleles (0.000062%); no homozygotes.

Submissions (4):

Color Diagnostics, LLC DBA Color Health
Classification: Uncertain significance for Cardiomyopathy. Last evaluated: 2024-03-06. Review status: criteria provided, single submitter. Criteria: ACMG Guidelines, 2015. Collection method: clinical testing. Allele origin: germline.
Comment: This missense variant replaces glycine with glutamic acid at codon 712 of the PKP2 protein. Computational prediction suggests that this variant may not impact protein structure and function (internally defined REVEL score threshold <= 0.5, PMID: 27666373). To our knowledge, functional studies have not been reported for this variant. This variant has not been reported in individuals affected with cardiovascular disorders in the literature. This variant has not been identified in the general population by the Genome Aggregation Database (gnomAD). The available evidence is insufficient to determine the role of this variant in disease conclusively. Therefore, this variant is classified as a Variant of Uncertain Significance.

Ambry Genetics
Classification: Uncertain significance for Cardiovascular phenotype. Last evaluated: 2023-12-18. Review status: criteria provided, single submitter. Criteria: Ambry Variant Classification Scheme 2023. Collection method: clinical testing. Allele origin: germline.
Comment: The p.G712E variant (also known as c.2135G>A), located in coding exon 10 of the PKP2 gene, results from a G to A substitution at nucleotide position 2135. The glycine at codon 712 is replaced by glutamic acid, an amino acid with similar properties. This amino acid position is highly conserved in available vertebrate species. In addition, this alteration is predicted to be deleterious by in silico analysis. Since supporting evidence is limited at this time, the clinical significance of this alteration remains unclear.

All of Us Research Program, National Institutes of Health
Classification: Uncertain significance for Arrhythmogenic right ventricular cardiomyopathy. Last evaluated: 2023-12-01. Review status: criteria provided, single submitter. Criteria: ACMG Guidelines, 2015. Collection method: clinical testing. Allele origin: germline. Inheritance: Autosomal dominant inheritance. Observed: 3 variant alleles, 3 heterozygotes.
Comment: This missense variant replaces glycine with glutamic acid at codon 712 of the PKP2 protein. Computational prediction suggests that this variant may not impact protein structure and function (internally defined REVEL score threshold <= 0.5, PMID: 27666373). To our knowledge, functional studies have not been reported for this variant. This variant has not been reported in individuals affected with cardiovascular disorders in the literature. This variant has not been identified in the general population by the Genome Aggregation Database (gnomAD). The available evidence is insufficient to determine the role of this variant in disease conclusively. Therefore, this variant is classified as a Variant of Uncertain Significance.

This study involves interpretation of variants in research participants for the purpose of population health screening. Participant phenotype was not available at the time of variant classification. Additional details can be found in publication PMID: 35346344, PMCID: PMC8962531

Labcorp Genetics (formerly Invitae), Labcorp
Classification: Uncertain significance for Arrhythmogenic right ventricular dysplasia 9. Last evaluated: 2022-07-31. Review status: criteria provided, single submitter. Criteria: Invitae Variant Classification Sherloc (09022015). Collection method: clinical testing. Allele origin: germline.
Comment: This sequence change replaces glycine, which is neutral and non-polar, with glutamic acid, which is acidic and polar, at codon 712 of the PKP2 protein (p.Gly712Glu). This variant is not present in population databases (gnomAD no frequency). This variant has not been reported in the literature in individuals affected with PKP2-related conditions. ClinVar contains an entry for this variant (Variation ID: 464420). Algorithms developed to predict the effect of missense changes on protein structure and function are either unavailable or do not agree on the potential impact of this missense change (SIFT: "Tolerated"; PolyPhen-2: "Probably Damaging"; Align-GVGD: "Class C0"). In summary, the available evidence is currently insufficient to determine the role of this variant in disease. Therefore, it has been classified as a Variant of Uncertain Significance.

NM_001005242.3(PKP2):c.2003G>A (p.Gly668Glu)

Gene: PKP2 (plakophilin 2; minus strand). Cytogenetic location: 12p11.21.
Variant type: single nucleotide variant.
Coding change: c.2003G>A on transcript NM_001005242.3 (MANE Select); coding-DNA position 2003, G replaced by A.
Protein change: p.Gly668Glu; replaces glycine 668 with glutamic acid.
Molecular consequence: missense variant.
Genome position (GRCh38, 1-based): chr12:32,821,366, C>T on the plus strand (G>A on the coding strand, the complement: PKP2 is on the minus strand). VCF-style: chr12-32821366-C-T. GRCh37 (hg19) VCF-style: chr12-32974300-C-T.
Other names: c.2135G>A, p.Gly712Glu (NM_004572.4); short protein forms G712E, G668E.
Identifiers: ClinVar variation 464420 (VCV000464420.13), dbSNP rs1348373466, ClinGen allele CA384361557.